The following is an entry in ClinVar:

NM_000100.4(CSTB):c.67-175dup

Gene: CSTB (cystatin B; minus strand). Cytogenetic location: 21q22.3.
Variant type: Duplication.
Coding change: c.67-175dup on transcript NM_000100.4 (MANE Select); 175 bases into the intron before coding-DNA position 67, one base duplicated (T; older notation c.67-175dupT).
Molecular consequence: intron variant.
Genome position (GRCh38, 1-based): chr21:43,774,928, A duplicated on the plus strand (T on the coding strand, the reverse complement: CSTB is on the minus strand); the first of 7 consecutive A bases (chr21:43,774,928-43,774,934); duplicating any one gives the same sequence. VCF-style (leftmost placement, unchanged base first): chr21-43774927-G-GA. GRCh37 (hg19) VCF-style: chr21-45194808-G-GA.
Identifiers: ClinVar variation 677419 (VCV000677419.1), dbSNP rs201742249, ClinGen allele CA321726550.

ClinVar aggregate classification (germline): Likely benign (1 of 4 stars; one submission).

Submission:

GeneDx
Classification: Likely benign. Last evaluated: 2018-06-16. Review status: criteria provided, single submitter. Criteria: GeneDx Variant Classification (06012015). Collection method: clinical testing. Allele origin: germline. Affected: yes.
Comment: This variant is considered likely benign or benign based on one or more of the following criteria: it is a conservative change, it occurs at a poorly conserved position in the protein, it is predicted to be benign by multiple in silico algorithms, and/or has population frequency not consistent with disease.